The following is an entry in ClinVar:

NM_000157.4(GBA1):c.1355A>G (p.Lys452Arg)

Genes: GBA1 (glucosylceramidase beta 1; minus strand), LOC106627981 (GBA recombination region; plus strand). Cytogenetic location: 1q22.
Variant type: single nucleotide variant.
Coding change: c.1355A>G on transcript NM_000157.4 (MANE Select); coding-DNA position 1355, A replaced by G.
Protein change: p.Lys452Arg; replaces lysine 452 with arginine.
Molecular consequence: missense variant.
Genome position (GRCh38, 1-based): chr1:155,235,714, T>C on the plus strand (A>G on the coding strand, the complement: GBA1 is on the minus strand). VCF-style: chr1-155235714-T-C. GRCh37 (hg19) VCF-style: chr1-155205505-T-C.
Other names: c.1355A>G, p.Lys452Arg (NM_001005741.3, NM_001005742.3); c.1094A>G, p.Lys365Arg (NM_001171811.2); c.1208A>G, p.Lys403Arg (NM_001171812.2); short protein forms K365R, K403R, K452R.
Identifiers: ClinVar variation 1700273 (VCV001700273.2), dbSNP rs1251534134, ClinGen allele CA342712722.

ClinVar aggregate classification (germline): Uncertain significance (1 of 4 stars; one submission).

Allele frequency attached by ClinVar (database versions not stated): gnomAD 0.00001; TOPMed 0.00001.
gnomAD v4.1: 1 of 1,612,456 alleles (0.000062%); highest among the groups gnomAD compares: Admixed American, 0.0017%; no homozygotes.

Submission:

GeneDx
Classification: Uncertain significance. Last evaluated: 2022-02-04. Review status: criteria provided, single submitter. Criteria: GeneDx Variant Classification Process June 2021. Collection method: clinical testing. Allele origin: germline. Affected: yes.
Comment: Has not been previously published as pathogenic or benign to our knowledge; In silico analysis supports that this missense variant has a deleterious effect on protein structure/function; Also known as p.(K413R)